The following is an entry in ClinVar:

ClinVar aggregate classification (germline): Uncertain significance (1 of 4 stars; one submission).

Allele frequency attached by ClinVar (database versions not stated): gnomAD exomes below 0.00001; TOPMed below 0.00001.
gnomAD v4.1: 3 of 1,612,968 alleles (0.00019%); highest among the groups gnomAD compares: Non-Finnish European, 0.00025%; no homozygotes.

Submission:

GeneDx
Classification: Uncertain significance. Last evaluated: 2016-12-06. Review status: criteria provided, single submitter. Criteria: GeneDx Variant Classification (06012015). Collection method: clinical testing. Allele origin: germline. Affected: yes.
Comment: The A133T variant in the HSD17B4 gene has not been reported previously as a pathogenic variant, nor as a benign variant, to our knowledge. The A133T variant was not observed in approximately 6500 individuals of European and African American ancestry in the NHLBI Exome Sequencing Project, indicating it is not a common benign variant in these populations. The A133T variant is a non-conservative amino acid substitution, which is likely to impact secondary protein structure as these residues differ in polarity, charge, size and/or other properties. This substitution occurs at a position that is conserved across species. In silico analysis predicts this variant is probably damaging to the protein structure/function. We interpret A133T as a variant of uncertain significance.

NM_000414.4(HSD17B4):c.397G>A (p.Ala133Thr)

Gene: HSD17B4 (hydroxysteroid 17-beta dehydrogenase 4; plus strand). Cytogenetic location: 5q23.1.
Variant type: single nucleotide variant.
Coding change: c.397G>A on transcript NM_000414.4 (MANE Select); coding-DNA position 397, G replaced by A.
Protein change: p.Ala133Thr; replaces alanine 133 with threonine.
Molecular consequence: missense variant. On other transcripts: 5 prime UTR variant (1).
Genome position (GRCh38, 1-based): chr5:119,477,464, G>A. VCF-style: chr5-119477464-G-A. GRCh37 (hg19) VCF-style: chr5-118813159-G-A.
Other names: c.472G>A, p.Ala158Thr (NM_001199291.3); c.343G>A, p.Ala115Thr (NM_001199292.2); c.325G>A, p.Ala109Thr (NM_001292027.2); c.-15G>A (NM_001292028.2); short protein forms A133T, A158T, A115T, A109T.
Identifiers: ClinVar variation 373459 (VCV000373459.1), dbSNP rs1044762772, ClinGen allele CA16042569.